The following is an entry in ClinVar:

ClinVar aggregate classification (germline): Uncertain significance (1 of 4 stars; one submission).

Conditions:
LEPR-related disorder. Also called: LEPR-related disorders; LEPR-related condition.

Submission:

PreventionGenetics, part of Exact Sciences
Classification: Uncertain significance for LEPR-related condition. Last evaluated: 2025-07-16. Review status: criteria provided, single submitter. Criteria: ACMG Guidelines, 2015. Collection method: clinical testing. Allele origin: germline.
Comment: The LEPR c.2125G>A variant is predicted to result in the amino acid substitution p.Ala709Thr. This variant was examined in an in vitro functional study and showed function similar to wild-type levels (Supplemental Data Set, Shah et al. 2023. PubMed ID: 36864747). To our knowledge this variant has not been documented in a large population database (gnomAD), indicating this variant is rare. At this time, the clinical significance of this variant is uncertain due to the absence of conclusive functional and genetic evidence.

NM_002303.6(LEPR):c.2125G>A (p.Ala709Thr)

Genes: LEPR (leptin receptor; plus strand), LOC122094844 (Sharpr-MPRA regulatory region 5730; plus strand). Cytogenetic location: 1p31.3.
Variant type: single nucleotide variant.
Coding change: c.2125G>A on transcript NM_002303.6 (MANE Select); coding-DNA position 2125, G replaced by A.
Protein change: p.Ala709Thr; replaces alanine 709 with threonine.
Molecular consequence: missense variant.
Genome position (GRCh38, 1-based): chr1:65,616,137, G>A. VCF-style: chr1-65616137-G-A. GRCh37 (hg19) VCF-style: chr1-66081820-G-A.
Other names: c.2125G>A, p.Ala709Thr (NM_001003679.3, NM_001003680.3, NM_001198687.2 and 2 more transcripts); short protein forms A709T.
Identifiers: ClinVar variation 5001802 (VCV005001802.1).